The following is an entry in ClinVar:

ClinVar aggregate classification (germline): Uncertain significance (1 of 4 stars; one submission).

Submission:

Women's Health and Genetics/Laboratory Corporation of America, LabCorp
Classification: Uncertain significance. Last evaluated: 2022-10-19. Review status: criteria provided, single submitter. Criteria: LabCorp Variant Classification Summary - May 2015. Collection method: clinical testing. Allele origin: germline.
Comment: Variant summary: CFTR c.164G>T (p.Arg55Ile) results in a non-conservative amino acid change in the encoded protein sequence. Four of four in-silico tools predict a damaging effect of the variant on protein function. The variant was absent in 249608 control chromosomes. The available data on variant occurrences in the general population are insufficient to allow any conclusion about variant significance. To our knowledge, no occurrence of c.164G>T in individuals affected with Cystic Fibrosis and no experimental evidence demonstrating its impact on protein function have been reported. No clinical diagnostic laboratories have submitted clinical-significance assessments for this variant to ClinVar after 2014. Based on the evidence outlined above, the variant was classified as uncertain significance.

NM_000492.4(CFTR):c.164G>T (p.Arg55Ile)

Gene: CFTR (CF transmembrane conductance regulator; plus strand). Cytogenetic location: 7q31.2.
Variant type: single nucleotide variant.
Coding change: c.164G>T on transcript NM_000492.4 (MANE Select); coding-DNA position 164, G replaced by T.
Protein change: p.Arg55Ile; replaces arginine 55 with isoleucine.
Molecular consequence: missense variant.
Genome position (GRCh38, 1-based): chr7:117,504,363, G>T. VCF-style: chr7-117504363-G-T. GRCh37 (hg19) VCF-style: chr7-117144417-G-T.
Other names: short protein forms R55I.
Identifiers: ClinVar variation 1723342 (VCV001723342.1), dbSNP rs2484968449, ClinGen allele CA368987571.